The following is an entry in ClinVar:

NM_004970.3(IGFALS):c.898A>G (p.Asn300Asp)

Gene: IGFALS (insulin like growth factor binding protein acid labile subunit; minus strand). Cytogenetic location: 16p13.3.
Variant type: single nucleotide variant.
Coding change: c.898A>G on transcript NM_004970.3 (MANE Select); coding-DNA position 898, A replaced by G.
Protein change: p.Asn300Asp; replaces asparagine 300 with aspartic acid.
Molecular consequence: missense variant. On other transcripts: non-coding transcript variant (1).
Genome position (GRCh38, 1-based): chr16:1,791,520, T>C on the plus strand (A>G on the coding strand, the complement: IGFALS is on the minus strand). VCF-style: chr16-1791520-T-C. GRCh37 (hg19) VCF-style: chr16-1841521-T-C.
Other names: c.1012A>G, p.Asn338Asp (NM_001146006.2); short protein forms N338D, N300D.
Identifiers: ClinVar variation 2597386 (VCV002597386.3), dbSNP rs1172812314, ClinGen allele CA394266516.

ClinVar aggregate classification (germline): Uncertain significance. Review status: criteria provided, multiple submitters, no conflicts (2 of 4 stars). 2 submissions from 2 submitters: Uncertain significance (2). Last evaluated 2024-09-17.

Conditions:
Inborn genetic diseases. Identifiers: MedGen C0950123, MeSH D030342.

Allele frequency attached by ClinVar (database versions not stated): TOPMed 0.00001; gnomAD 0.00002.

Submissions (2):

GeneDx
Classification: Uncertain significance. Last evaluated: 2024-09-17. Review status: criteria provided, single submitter. Criteria: GeneDx Variant Classification Process June 2021. Collection method: clinical testing. Allele origin: germline. Affected: yes.
Comment: Not observed at significant frequency in large population cohorts (gnomAD); In silico analysis supports that this missense variant has a deleterious effect on protein structure/function; Has not been previously published as pathogenic or benign to our knowledge

Ambry Genetics
Classification: Uncertain significance for Inborn genetic diseases. Last evaluated: 2023-08-10. Review status: criteria provided, single submitter. Criteria: Ambry Variant Classification Scheme 2023. Collection method: clinical testing. Allele origin: germline.